The following is an entry in ClinVar:

NM_012330.4(KAT6B):c.3052T>C (p.Trp1018Arg)

Gene: KAT6B (lysine acetyltransferase 6B; plus strand). Cytogenetic location: 10q22.2.
Variant type: single nucleotide variant.
Coding change: c.3052T>C on transcript NM_012330.4 (MANE Select); coding-DNA position 3052, T replaced by C.
Protein change: p.Trp1018Arg; replaces tryptophan 1018 with arginine.
Molecular consequence: missense variant.
Genome position (GRCh38, 1-based): chr10:75,021,911, T>C. VCF-style: chr10-75021911-T-C. GRCh37 (hg19) VCF-style: chr10-76781669-T-C.
Other names: c.2503T>C, p.Trp835Arg (NM_001256468.2, NM_001370138.1); c.2176T>C, p.Trp726Arg (NM_001256469.2, NM_001370139.1, NM_001370140.1 and 2 more transcripts); c.2014T>C, p.Trp672Arg (NM_001370132.1); c.1363T>C, p.Trp455Arg (NM_001370133.1); c.967T>C, p.Trp323Arg (NM_001370134.1); c.709T>C, p.Trp237Arg (NM_001370135.1); c.3052T>C, p.Trp1018Arg (NM_001370136.1, NM_001370137.1); c.1987T>C, p.Trp663Arg (NM_001370143.1, NM_001370144.1); short protein forms W323R, W455R, W672R, W835R, W1018R, W663R, W726R, W237R.
Identifiers: ClinVar variation 2725181 (VCV002725181.3), dbSNP rs1217910953, ClinGen allele CA377283304.

ClinVar aggregate classification (germline): Uncertain significance (1 of 4 stars; one submission).

Conditions:
Genitopatellar syndrome (GTPTS). Also called: ABSENT PATELLAE, SCROTAL HYPOPLASIA, RENAL ANOMALIES, FACIAL DYSMORPHISM, AND MENTAL RETARDATION; Genitopatellar syndrome (GPS). Identifiers: Orphanet 85201, MedGen C1853566, MONDO:0011640, OMIM 606170.

Allele frequency attached by ClinVar (database versions not stated): gnomAD 0.00001.
gnomAD v4.1: 1 of 1,614,032 alleles (0.000062%); highest among the groups gnomAD compares: Non-Finnish European, 0.000085%; no homozygotes.

Submission:

Labcorp Genetics (formerly Invitae), Labcorp
Classification: Uncertain significance for Genitopatellar syndrome. Last evaluated: 2024-04-08. Review status: criteria provided, single submitter. Criteria: Invitae Variant Classification Sherloc (09022015). Collection method: clinical testing. Allele origin: germline.
Comment: This sequence change replaces tryptophan, which is neutral and slightly polar, with arginine, which is basic and polar, at codon 1018 of the KAT6B protein (p.Trp1018Arg). This variant is present in population databases (no rsID available, gnomAD 0.007%). This variant has not been reported in the literature in individuals affected with KAT6B-related conditions. Advanced modeling of protein sequence and biophysical properties (such as structural, functional, and spatial information, amino acid conservation, physicochemical variation, residue mobility, and thermodynamic stability) performed at Invitae indicates that this missense variant is not expected to disrupt KAT6B protein function with a negative predictive value of 80%. In summary, the available evidence is currently insufficient to determine the role of this variant in disease. Therefore, it has been classified as a Variant of Uncertain Significance.